The following is an entry in ClinVar:

ClinVar aggregate classification (germline): Uncertain significance. Review status: criteria provided, multiple submitters, no conflicts (2 of 4 stars). 4 submissions from 3 submitters: Uncertain significance (4). Last evaluated 2023-02-08.

Conditions:
Seckel syndrome 1 (SCKL1). Also called: MICROCEPHALIC PRIMORDIAL DWARFISM I. Identifiers: Orphanet 808, MedGen C4551474, MONDO:0008869, OMIM 210600.
Familial cutaneous telangiectasia and oropharyngeal predisposition cancer syndrome. Identifiers: Orphanet 313846, MedGen C3281203, MONDO:0013806, OMIM 614564.
Inborn genetic diseases. Identifiers: MedGen C0950123, MeSH D030342.

gnomAD v4.1: 7 of 1,600,624 alleles (0.00044%); highest among the groups gnomAD compares: Non-Finnish European, 0.00051%; no homozygotes.

Submissions (4):

Genome-Nilou Lab
Classification: Uncertain significance for Seckel syndrome 1. Last evaluated: 2023-02-08. Review status: criteria provided, single submitter. Criteria: ACMG Guidelines, 2015. Collection method: clinical testing. Allele origin: germline.

Genome-Nilou Lab
Classification: Uncertain significance for Familial cutaneous telangiectasia and oropharyngeal predisposition cancer syndrome. Last evaluated: 2023-02-08. Review status: criteria provided, single submitter. Criteria: ACMG Guidelines, 2015. Collection method: clinical testing. Allele origin: germline.

Ambry Genetics
Classification: Uncertain significance for Inborn genetic diseases. Last evaluated: 2022-07-05. Review status: criteria provided, single submitter. Criteria: Ambry Variant Classification Scheme 2023. Collection method: clinical testing. Allele origin: germline.
Comment: The p.R1951Q variant (also known as c.5852G>A), located in coding exon 34 of the ATR gene, results from a G to A substitution at nucleotide position 5852. The arginine at codon 1951 is replaced by glutamine, an amino acid with highly similar properties. This amino acid position is conserved. In addition, this alteration is predicted to be tolerated by in silico analysis. Since supporting evidence is limited at this time, the clinical significance of this alteration remains unclear.

Labcorp Genetics (formerly Invitae), Labcorp
Classification: Uncertain significance. Last evaluated: 2021-02-24. Review status: criteria provided, single submitter. Criteria: Invitae Variant Classification Sherloc (09022015). Collection method: clinical testing. Allele origin: germline.
Comment: In summary, the available evidence is currently insufficient to determine the role of this variant in disease. Therefore, it has been classified as a Variant of Uncertain Significance. Algorithms developed to predict the effect of missense changes on protein structure and function (SIFT, PolyPhen-2, Align-GVGD) all suggest that this variant is likely to be tolerated, but these predictions have not been confirmed by published functional studies and their clinical significance is uncertain. This variant has not been reported in the literature in individuals with ATR-related conditions. This variant is not present in population databases (ExAC no frequency). This sequence change replaces arginine with glutamine at codon 1951 of the ATR protein (p.Arg1951Gln). The arginine residue is moderately conserved and there is a small physicochemical difference between arginine and glutamine.

NM_001184.4(ATR):c.5852G>A (p.Arg1951Gln)

Gene: ATR (ATR checkpoint kinase; minus strand). Cytogenetic location: 3q23.
Variant type: single nucleotide variant.
Coding change: c.5852G>A on transcript NM_001184.4 (MANE Select); coding-DNA position 5852, G replaced by A.
Protein change: p.Arg1951Gln; replaces arginine 1951 with glutamine.
Molecular consequence: missense variant.
Genome position (GRCh38, 1-based): chr3:142,496,407, C>T on the plus strand (G>A on the coding strand, the complement: ATR is on the minus strand). VCF-style: chr3-142496407-C-T. GRCh37 (hg19) VCF-style: chr3-142215249-C-T.
Other names: c.5660G>A, p.Arg1887Gln (NM_001354579.2); short protein forms R1887Q, R1951Q.
Identifiers: ClinVar variation 1422937 (VCV001422937.8), dbSNP rs745882886, ClinGen allele CA84760301.
Genomic context (GRCh38, chr3:142,496,407, plus strand): 5'-TCCCTGGCCATTACCTTGGACCAGAGCCACTTTGCCCTTTCCACGTACAGTTCAGCGAGT[C>T]GTGATTCCCCTGCATTAAGGAGAGCATTGTAGGCTGTCTGGTGGTGACCAGCCTTTCTAG-3'
Protein context (NP_001175.2, residues 1941-1961): YNALLNAGES[Arg1951Gln]LAELYVERAK